The following is an entry in ClinVar:

ClinVar aggregate classification (germline): Uncertain significance (1 of 4 stars; one submission).

Conditions:
Poirier-Bienvenu neurodevelopmental syndrome (POBINDS). Identifiers: Orphanet 689397, MedGen C5231482, MONDO:0032889, OMIM 618732.

Submission:

Victorian Clinical Genetics Services, Murdoch Childrens Research Institute
Classification: Uncertain significance for Poirier-Bienvenu neurodevelopmental syndrome. Last evaluated: 2023-07-17. Review status: criteria provided, single submitter. Criteria: ACMG Guidelines, 2015. Collection method: clinical testing. Allele origin: germline. Inheritance: Autosomal dominant inheritance. Affected: yes.
Comment: Based on the classification scheme VCGS_Germline_v1.3.4, this variant is classified as VUS-3A. Following criteria are met: 0102 - Loss of function is a known mechanism of disease in this gene and is associated with Poirier-Bienvenu neurodevelopmental syndrome (MIM#618732). Dominant negative is a suggested mechanism for missense variants (PMID: 35571680). (I) 0107 - This gene is associated with autosomal dominant disease. (I) 0200 - Variant is predicted to result in a missense amino acid change from aspartic acid to histidine. (I) 0251 - This variant is heterozygous. (I) 0301 - Variant is absent from gnomAD (both v2 and v3). (SP) 0501 - Missense variant consistently predicted to be damaging by multiple in silico tools or highly conserved with a major amino acid change. (SP) 0600 - Variant is located in the annotated CK_II_beta domain (DECIPHER). (I) 0705 - No comparable missense variants have previous evidence for pathogenicity. (I) 0807 - This variant has no previous evidence of pathogenicity. (I) 0905 - No published segregation evidence has been identified for this variant. (I) 1007 - No published functional evidence has been identified for this variant. (I) 1208 - Inheritance information for this variant is not currently available in this individual. (I) Legend: (SP) - Supporting pathogenic, (I) - Information, (SB) - Supporting benign

Literature cited by the submitters: PubMed 35571680.

NM_001320.7(CSNK2B):c.463G>C (p.Asp155His)

Gene: CSNK2B (casein kinase 2 beta; plus strand). Cytogenetic location: 6p21.33.
Variant type: single nucleotide variant.
Coding change: c.463G>C on transcript NM_001320.7 (MANE Select); coding-DNA position 463, G replaced by C.
Protein change: p.Asp155His; replaces aspartic acid 155 with histidine.
Molecular consequence: missense variant.
Genome position (GRCh38, 1-based): chr6:31,669,414, G>C. VCF-style: chr6-31669414-G-C. GRCh37 (hg19) VCF-style: chr6-31637191-G-C.
Other names: c.454G>C, p.Asp152His (NM_001282385.2); short protein forms D152H, D155H.
Identifiers: ClinVar variation 3254743 (VCV003254743.1), dbSNP rs2536968051.